The following is an entry in ClinVar:

ClinVar aggregate classification (germline): Uncertain significance (1 of 4 stars; one submission).

Submission:

Labcorp Genetics (formerly Invitae), Labcorp
Classification: Uncertain significance. Last evaluated: 2025-01-14. Review status: criteria provided, single submitter. Criteria: Invitae Variant Classification Sherloc (09022015). Collection method: clinical testing. Allele origin: germline.
Comment: This sequence change replaces leucine, which is neutral and non-polar, with phenylalanine, which is neutral and non-polar, at codon 74 of the ASB10 protein (p.Leu74Phe). This variant is present in population databases (rs778403351, gnomAD 0.003%). This variant has not been reported in the literature in individuals affected with ASB10-related conditions. An algorithm developed to predict the effect of missense changes on protein structure and function (PolyPhen-2) suggests that this variant is likely to be tolerated. In summary, the available evidence is currently insufficient to determine the role of this variant in disease. Therefore, it has been classified as a Variant of Uncertain Significance.

NM_001142459.2(ASB10):c.220C>T (p.Leu74Phe)

Gene: ASB10 (ankyrin repeat and SOCS box containing 10; minus strand). Cytogenetic location: 7q36.1.
Variant type: single nucleotide variant.
Coding change: c.220C>T on transcript NM_001142459.2 (MANE Select); coding-DNA position 220, C replaced by T.
Protein change: p.Leu74Phe; replaces leucine 74 with phenylalanine.
Molecular consequence: missense variant. On other transcripts: intron variant (1).
Genome position (GRCh38, 1-based): chr7:151,186,911, G>A on the plus strand (C>T on the coding strand, the complement: ASB10 is on the minus strand). VCF-style: chr7-151186911-G-A. GRCh37 (hg19) VCF-style: chr7-150883998-G-A.
Other names: c.220C>T, p.Leu74Phe (NM_001142460.1); c.272-252C>T (NM_080871.4); short protein forms L74F.
Identifiers: ClinVar variation 3702442 (VCV003702442.2).
Genomic context (GRCh38, chr7:151,186,911, plus strand): 5'-GCTCTGGGTCGCTGGTATCAAAGACGGAATCAGGAGCCAGGCCAGTACTGGAGTCCGCGA[G>A]GATGCGGGAGACACAGCCCACGTCCCCAGCCAGCACTGCCTGCCAGAAGGCAAGGGCAGG-3'
Protein context (NP_001135931.2, residues 64-84): AGDVGCVSRI[Leu74Phe]ADSSTGLAPD